The following is an entry in ClinVar:

ClinVar aggregate classification (germline): Pathogenic/Likely pathogenic. Review status: criteria provided, multiple submitters, no conflicts (2 of 4 stars). 11 submissions from 11 submitters: Pathogenic (9); Likely pathogenic (1). 1 of the submissions does not count toward it. Last evaluated 2026-01-18.

Conditions:
Hyperthyroxinemia, dystransthyretinemic. Also called: EUTHRYROIDAL HYPERTHYROXINEMIA 2; HYPERTHYROXINEMIA, DYSPREALBUMINEMIC. Identifiers: MedGen C2750824, MONDO:0007785, OMIM 145680.
Amyloidosis, hereditary systemic 1 (AMYLD1). Also called: Hereditary oculoleptomeningeal amyloid angiopathy; Familial Transthyretin Amyloidosis; Transthyretin Amyloidosis; Familial amyloid polyneuropathy; Hereditary Transthyretin Amyloidosis; AMYLOID CARDIOMYOPATHY. Identifiers: Orphanet 85447, Orphanet 85451, MedGen C2751492, MONDO:0971004, OMIM 105210.
Carpal tunnel syndrome 1 (CTS1). Also called: Carpal tunnel syndrome, familial. Identifiers: MedGen C5779776, MONDO:0020730, OMIM 115430.
Cardiovascular phenotype. Identifiers: MedGen CN230736.

Allele frequency attached by ClinVar (database versions not stated): gnomAD exomes below 0.00001; gnomAD 0.00001.
gnomAD v4.1: 1 of 1,613,960 alleles (0.000062%); highest among the groups gnomAD compares: East Asian, 0.0022%; no homozygotes.

Submissions (11):

Labcorp Genetics (formerly Invitae), Labcorp
Classification: Pathogenic for Amyloidosis, hereditary systemic 1. Last evaluated: 2026-01-18. Review status: criteria provided, single submitter. Criteria: Invitae Variant Classification Sherloc (09022015). Collection method: clinical testing. Allele origin: germline.
Comment: This sequence change replaces alanine, which is neutral and non-polar, with serine, which is neutral and polar, at codon 117 of the TTR protein (p.Ala117Ser). This variant is present in population databases (rs267607161, gnomAD 0.01%). This missense change has been observed in individuals with transthyretin amyloidosis (PMID: 10611950, 18022643, 20697105, 22412233, 23713495). This variant is also known as Ala97Ser. ClinVar contains an entry for this variant (Variation ID: 13468). Invitae Evidence Modeling of protein sequence and biophysical properties (such as structural, functional, and spatial information, amino acid conservation, physicochemical variation, residue mobility, and thermodynamic stability) indicates that this missense variant is expected to disrupt TTR protein function with a positive predictive value of 95%. Experimental studies have shown that this missense change affects TTR function (PMID: 20697105). This variant disrupts the p.Ala117 (also known as p.Ala97) amino acid residue in TTR. Other variant(s) that disrupt this residue have been determined to be pathogenic (PMID: 8133316, 10611950, 14986482, 20209591). This suggests that this residue is clinically significant, and that variants that disrupt this residue are likely to be disease-causing. For these reasons, this variant has been classified as Pathogenic.

ARUP Laboratories, Molecular Genetics and Genomics, ARUP Laboratories
Classification: Pathogenic. Last evaluated: 2025-03-31. Review status: criteria provided, single submitter. Criteria: ARUP Molecular Germline Variant Investigation Process 2024. Collection method: clinical testing. Allele origin: germline.
Comment: The TTR c.349G>T; p.Ala117Ser variant (rs267607161), also known as Arg97Ser, is reported in the literature in multiple individuals affected with familial amyloid polyneuropathy (FAP) and cardiac amyloidosis, and is especially common in the Chinese-Taiwanese population (Fradley 2012, Hattori 2003, Hsu 2017, Hu 2017, Ihse 2013, Lachmann 2000, Liu 2008). This variant is also reported in ClinVar (Variation ID: 13468). It is only found on two alleles in the Genome Aggregation Database (v2.1.1), indicating it is not a common polymorphism. Additionally, another variant at this codon (c.350C>G, p.Ala117Gly) has been reported in individuals with FAP and is considered pathogenic (Barreiros 2010, Hattori 2003, Yasuda 1994). Computational analyses predict that this variant is deleterious (REVEL: 0.824). In support of these predictions, in vivo functional analyses of biopsies from patients with the p.Ala117Ser variant demonstrate skin innervation and axonal degradation, even in asymptomatic carriers (Chao 2015, Lai 2015, Yang 2010). Based on available information, the p.Ala117Ser variant is considered to be pathogenic. References: Barreiros AP et al. Liver transplantation and combined liver-heart transplantation in patients with familial amyloid polyneuropathy: a single-center experience. Liver Transpl. 2010 Mar;16(3):314-23. PMID: 20209591. Chao CC et al. Sudomotor innervation in transthyretin amyloid neuropathy: Pathology and functional correlates. Ann Neurol. 2015 Aug;78(2):272-83. PMID: 25973863. Fradley MG et al. Direct tissue evaluation via immunofluorescence: in the diagnosis of hereditary transthyretin cardiac amyloidosis. Tex Heart Inst J. 2012;39(1):71-5. PMID: 22412233. Hattori T et al. Clinical and pathological studies of cardiac amyloidosis in transthyretin type familial amyloid polyneuropathy. Amyloid. 2003 Dec;10(4):229-39. PMID: 14986482. Hsu HC et al. Phenotypic expressions of hereditary Transthyretin Ala97Ser related Amyloidosis (ATTR) in Taiwanese. BMC Neurol. 2017 Sep 7;17(1):178. PMID: 28882124. Hu D et al. Familial amyloid cardiomyopathy masquerading as chronic Guillain-Barre syndrome: things are not always what they seem. Front Med. 2017 Jun;11(2):293-296. PMID: 28425041. Ihse E et al. Amyloid fibrils containing fragmented ATTR may be the standard fibril composition in ATTR amyloidosis. Amyloid. 2013 Sep;20(3):142-50. PMID: 23713495. Lachmann HJ et al. Transthyretin Ala97Ser is associated with familial amyloidotic polyneuropathy in a Chinese-Taiwanese family. Hum Mutat. 2000 Aug;16(2):180. PMID: 10923048. Lai HJ et al. The Temporal Profiles of Changes in Nerve Excitability Indices in Familial Amyloid Polyneuropathy. PLoS One. 2015 Nov 3;10(11):e0141935. PMID: 26529114. Liu YT et al. Transthyretin Ala97Ser in Chinese-Taiwanese patients with familial amyloid polyneuropathy: genetic studies and phenotype expression. J Neurol Sci. 2008 Apr 15;267(1-2):91-9. PMID: 18022643. Yang NC et al. Clinical presentations and skin denervation in amyloid neuropathy due to transthyretin Ala97Ser. Neurology. 2010 Aug 10;75(6):532-8. PMID: 20697105. Yasuda T et al. Familial amyloidotic polyneuropathy with late-onset and well-preserved autonomic function: a Japanese kindred with novel mutant transthyretin (Ala97 to Gly). J Neurol Sci. 1994 Jan;121(1):97-102. PMID: 8133316.

Ambry Genetics
Classification: Pathogenic for Cardiovascular phenotype. Last evaluated: 2024-12-31. Review status: criteria provided, single submitter. Criteria: Ambry Variant Classification Scheme 2023. Collection method: clinical testing. Allele origin: germline.
Comment: The p.A117S pathogenic mutation (also known as c.349G>T and A97S) located in coding exon 4 of the TTR gene, results from a G to T substitution at nucleotide position 349. The alanine at codon 117 is replaced by serine, an amino acid with similar properties. This variant was reported in individual(s) with features consistent with hereditary transthyretin-related amyloidosis (Tachibana N et al. Amyloid, 1999 Dec;6:282-8; Yang NC et al. Neurology, 2010 Aug;75:532-8; Hsu HC et al. BMC Neurol, 2017 Sep;17:178; Chen Q et al. Mol. Neurobiol., 2018 Jun;55:4911-4917; Yuan Z et al. J Clin Neurosci, 2019 Feb;60:164-166; Chao HC et al. Ann Clin Transl Neurol, 2019 May;6:913-922; Liao CH et al. Diagnostics (Basel), 2019 Apr;9). This variant was proposed as a hot spot variant in the Chinese-Taiwanese population based on presence in unrelated, affected individuals of this ethnic group (Liu YT et al. J. Neurol. Sci., 2008 Apr;267:91-9). An animal model expressing this variant exhibited phenotype(s) consistent with TTR-related disease (Kan HW et al. Neuropathol. Appl. Neurobiol., 2018 12;44:673-686). Other variant(s) at the same codon, p.A117G (c.350C>G), have been identified in individual(s) with features consistent with hereditary transthyretin-related amyloidosis (Barreiros AP et al. Liver Transpl., 2010 Mar;16:314-23; Koike H et al. J. Neurol. Sci., 2018 Nov;394:99-106). Based on the supporting evidence, this variant is interpreted as a disease-causing mutation.

Mayo Clinic Laboratories, Mayo Clinic
Classification: Pathogenic. Last evaluated: 2023-12-12. Review status: criteria provided, single submitter. Criteria: ACMG Guidelines, 2015. Collection method: clinical testing. Allele origin: germline. Observed: 3 variant alleles.
Comment: PP3

Fulgent Genetics
Classification: Pathogenic for Amyloidosis, hereditary systemic 1; Carpal tunnel syndrome 1; Hyperthyroxinemia, dystransthyretinemic. Last evaluated: 2022-05-11. Review status: criteria provided, single submitter. Criteria: ACMG Guidelines, 2015. Collection method: clinical testing. Allele origin: unknown.

Athena Diagnostics
Classification: Likely pathogenic. Last evaluated: 2017-02-15. Review status: criteria provided, single submitter. Criteria: Athena Diagnostics Criteria. Collection method: clinical testing. Allele origin: germline.

Women's Health and Genetics/Laboratory Corporation of America, LabCorp
Classification: Pathogenic for Amyloidosis, hereditary systemic 1. Last evaluated: 2017-02-14. Review status: criteria provided, single submitter. Criteria: LabCorp Variant Classification Summary - May 2015. Collection method: clinical testing. Allele origin: germline.
Comment: Variant summary: The TTR c.349G>T (p.Ala117Ser) variant involves the alteration of a conserved nucleotide. 3/4 in silico tools predict a damaging outcome for this variant (SNPs&GO not captured due to low reliability index). 5/5 splice prediction tools predict no significant impact on normal splicing, however, 3/5 tools predict that this variant may remove a cryptic 3' splicing acceptor site. ESE finder predicts that this variant may affect multiple ESE sites. However, these predictions have yet to be confirmed by functional studies. This variant has been reported in multiple ATTR patients in Chinese population and is absent in 121750 control chromosomes. In addition, multiple clinical diagnostic laboratories/reputable databases classified this variant as pathogenic. Taken together, this variant is classified as pathogenic.

Laboratory for Molecular Medicine, Mass General Brigham Personalized Medicine
Classification: Pathogenic for ATTRV30M amyloidosis. Last evaluated: 2010-05-18. Review status: criteria provided, single submitter. Criteria: LMM Criteria. Collection method: clinical testing. Allele origin: germline. Observed: 1 variant allele.

Juno Genomics, Hangzhou Juno Genomics, Inc
Classification: Pathogenic for Amyloidosis, hereditary systemic 1. Review status: criteria provided, single submitter. Criteria: ACMG Guidelines, 2015. Collection method: clinical testing. Allele origin: germline.
Comment: Absent from controls (or at extremely low frequency if recessive) in Genome Aggregation Database.;The prevalence of the variant in affected individuals is significantly increased compared to the prevalence in controls.;Patient's phenotype or family history is highly specific for a disease with a single genetic etiology.;Well-established in vitro or in vivo functional studies supportive of a damaging effect on the gene or gene product.

Stanford Center for Inherited Cardiovascular Disease, Stanford University
Classification: Pathogenic. Review status: criteria provided, single submitter. Criteria: ACMG Guidelines, 2015. Collection method: provider interpretation. Allele origin: germline.

OMIM
Classification: Pathogenic for AMYLOIDOSIS, HEREDITARY SYSTEMIC 1. Last evaluated: 2010-08-10. Review status: no assertion criteria provided. Collection method: literature only. Allele origin: germline. Not counted in ClinVar's aggregate classification.

Literature cited by the submitters: PubMed 10611950 (cited by 3 submitters); PubMed 18022643 (cited by 5 submitters); PubMed 20697105 (cited by 5 submitters); PubMed 22412233 (cited by 3 submitters); PubMed 23713495 (cited by Labcorp Genetics (formerly Invitae), Labcorp and Athena Diagnostics); PubMed 8133316 (cited by Labcorp Genetics (formerly Invitae), Labcorp); PubMed 14986482 (cited by 3 submitters); PubMed 20209591 (cited by Labcorp Genetics (formerly Invitae), Labcorp); PubMed 28762097 (cited by Ambry Genetics); PubMed 28882124 (cited by Ambry Genetics); PubMed 29423915 (cited by Ambry Genetics); PubMed 30198232 (cited by Ambry Genetics); PubMed 30361054 (cited by Ambry Genetics); PubMed 30683924 (cited by Ambry Genetics); PubMed 31018485 (cited by Ambry Genetics); PubMed 31139689 (cited by Ambry Genetics); PubMed 31343308 (cited by Ambry Genetics); PubMed 31348283 (cited by Ambry Genetics); PubMed 31728576 (cited by Ambry Genetics); PubMed 32925285 (cited by Ambry Genetics); PubMed 33411102 (cited by Ambry Genetics); PubMed 14640030 (cited by Athena Diagnostics and Laboratory for Molecular Medicine, Mass General Brigham Personalized Medicine); PubMed 10923048 (cited by Athena Diagnostics); PubMed 26529114 (cited by Athena Diagnostics); PubMed 25973863 (cited by Athena Diagnostics); PubMed 26894299 (cited by Athena Diagnostics); PubMed 26521788 (cited by Women's Health and Genetics/Laboratory Corporation of America, LabCorp); PubMed 15123043 (cited by Women's Health and Genetics/Laboratory Corporation of America, LabCorp); PubMed 20937937 (cited by Women's Health and Genetics/Laboratory Corporation of America, LabCorp); PubMed 20714957 (cited by Women's Health and Genetics/Laboratory Corporation of America, LabCorp); PubMed 11385707 (cited by Laboratory for Molecular Medicine, Mass General Brigham Personalized Medicine).

NM_000371.4(TTR):c.349G>T (p.Ala117Ser)

Gene: TTR (transthyretin; plus strand). Cytogenetic location: 18q12.1.
Variant type: single nucleotide variant.
Coding change: c.349G>T on transcript NM_000371.4 (MANE Select); coding-DNA position 349, G replaced by T.
Protein change: p.Ala117Ser; replaces alanine 117 with serine.
Molecular consequence: missense variant.
Genome position (GRCh38, 1-based): chr18:31,598,580, G>T. VCF-style: chr18-31598580-G-T. GRCh37 (hg19) VCF-style: chr18-29178543-G-T.
Other names: A97S; short protein forms A117S.
Identifiers: ClinVar variation 13468 (VCV000013468.25), dbSNP rs267607161, ClinGen allele CA256859.